The following is an entry in ClinVar:

ClinVar aggregate classification (germline): Likely benign (0 of 4 stars; one submission).

Conditions:
SOX4-related disorder. Also called: SOX4-related condition.

Submission:

PreventionGenetics, part of Exact Sciences
Classification: Likely benign for SOX4-related condition. Last evaluated: 2019-12-26. Review status: no assertion criteria provided. Collection method: clinical testing. Allele origin: germline.
Comment: This variant is classified as likely benign based on ACMG/AMP sequence variant interpretation guidelines (Richards et al. 2015 PMID: 25741868, with internal and published modifications).

NM_003107.3(SOX4):c.504C>G (p.Gly168=)

Gene: SOX4 (SRY-box transcription factor 4; plus strand). Cytogenetic location: 6p22.3.
Variant type: single nucleotide variant.
Coding change: c.504C>G on transcript NM_003107.3 (MANE Select); coding-DNA position 504, C replaced by G.
Protein change: p.Gly168=; no amino-acid change (glycine 168 retained).
Molecular consequence: synonymous variant.
Genome position (GRCh38, 1-based): chr6:21,595,038, C>G. VCF-style: chr6-21595038-C-G. GRCh37 (hg19) VCF-style: chr6-21595269-C-G.
Identifiers: ClinVar variation 3037648 (VCV003037648.2), dbSNP rs1288999721, ClinGen allele CA448961790.